The following is an entry in ClinVar:

ClinVar aggregate classification (germline): Uncertain significance (1 of 4 stars; one submission).

Conditions:
Joubert syndrome. Also called: CEREBELLOPARENCHYMAL DISORDER IV; JOUBERT-BOLTSHAUSER SYNDROME; Familial aplasia of the vermis. Identifiers: Orphanet 475, MedGen C5979921, MONDO:0018772.
Meckel-Gruber syndrome. Also called: DYSENCEPHALIA SPLANCHNOCYSTICA; GRUBER SYNDROME; Dysencephalia splachnocystica. Identifiers: Orphanet 564, MedGen C0265215, MONDO:0018921.

gnomAD v4.1: 3 of 1,614,172 alleles (0.00019%); highest among the groups gnomAD compares: Non-Finnish European, 0.00017%; no homozygotes.

Submission:

Labcorp Genetics (formerly Invitae), Labcorp
Classification: Uncertain significance for Joubert syndrome; Meckel-Gruber syndrome. Last evaluated: 2022-03-19. Review status: criteria provided, single submitter. Criteria: Invitae Variant Classification Sherloc (09022015). Collection method: clinical testing. Allele origin: germline.
Comment: This sequence change replaces arginine, which is basic and polar, with serine, which is neutral and polar, at codon 160 of the B9D1 protein (p.Arg160Ser). This variant is not present in population databases (gnomAD no frequency). This variant has not been reported in the literature in individuals affected with B9D1-related conditions. Algorithms developed to predict the effect of missense changes on protein structure and function are either unavailable or do not agree on the potential impact of this missense change (SIFT: "Tolerated"; PolyPhen-2: "Possibly Damaging"; Align-GVGD: "Class C0"). Algorithms developed to predict the effect of sequence changes on RNA splicing suggest that this variant may disrupt the consensus splice site. In summary, the available evidence is currently insufficient to determine the role of this variant in disease. Therefore, it has been classified as a Variant of Uncertain Significance.

NM_015681.6(B9D1):c.478C>A (p.Arg160Ser)

Gene: B9D1 (B9 domain containing 1; minus strand). Cytogenetic location: 17p11.2.
Variant type: single nucleotide variant.
Coding change: c.478C>A on transcript NM_015681.6 (MANE Select); coding-DNA position 478, C replaced by A.
Protein change: p.Arg160Ser; replaces arginine 160 with serine.
Molecular consequence: missense variant. On other transcripts: 3 prime UTR variant (3), intron variant (4).
Genome position (GRCh38, 1-based): chr17:19,343,456, G>T on the plus strand (C>A on the coding strand, the complement: B9D1 is on the minus strand). VCF-style: chr17-19343456-G-T. GRCh37 (hg19) VCF-style: chr17-19246769-G-T.
Other names: c.*3C>A (NM_001321214.2); c.*254C>A (NM_001321215.3); c.*26C>A (NM_001330149.2); c.112+334C>A (NM_001368769.2); c.404+3813C>A (NM_001321219.2); c.472+334C>A (NM_001321218.2, NM_001321217.2); short protein forms R160S.
Identifiers: ClinVar variation 1418967 (VCV001418967.5), dbSNP rs182767811, ClinGen allele CA398692448.
Genomic context (GRCh38, chr17:19,343,456, plus strand): 5'-TCCTCATGTCCTTGGTCACCACGTTGAAGAGGAGGGTGACAAAGCCCTGAGAACGGACAC[G>T]GGTCACTGGGGACAGAAGGGCAGCATCAGCCAGGCTGGGCTGGGGCAGAGAGAGACCCAG-3'
Protein context (NP_056496.1, residues 150-170): VAQGEGREVT[Arg160Ser]VRSQGFVTLL